The following is an entry in ClinVar:

ClinVar aggregate classification (germline): Uncertain significance. Review status: criteria provided, multiple submitters, no conflicts (2 of 4 stars). 5 submissions from 5 submitters: Uncertain significance (4). 1 of the submissions does not count toward it. Last evaluated 2025-10-19.

Conditions:
Cardiovascular phenotype. Identifiers: MedGen CN230736.
Alstrom syndrome (ALMS). Identifiers: Orphanet 64, MedGen C0268425, MONDO:0008763, OMIM 203800.

Allele frequency attached by ClinVar (database versions not stated): gnomAD exomes 0.00001; TOPMed 0.00001; gnomAD 0.00003; ExAC 0.00001; ESP Exome Variant Server 0.00008.
gnomAD v4.1: 116 of 1,613,770 alleles (0.0072%); highest among the groups gnomAD compares: Non-Finnish European, 0.0094%; no homozygotes.

Submissions (5):

Labcorp Genetics (formerly Invitae), Labcorp
Classification: Uncertain significance for Alstrom syndrome. Last evaluated: 2025-10-19. Review status: criteria provided, single submitter. Criteria: Invitae Variant Classification Sherloc (09022015). Collection method: clinical testing. Allele origin: germline.
Comment: This sequence change replaces proline, which is neutral and non-polar, with leucine, which is neutral and non-polar, at codon 2237 of the ALMS1 protein (p.Pro2237Leu). This variant is present in population databases (rs201737248, gnomAD 0.002%). This variant has not been reported in the literature in individuals affected with ALMS1-related conditions. ClinVar contains an entry for this variant (Variation ID: 459880). Experimental studies and prediction algorithms are not available or were not evaluated, and the functional significance of this variant is currently unknown. In summary, the available evidence is currently insufficient to determine the role of this variant in disease. Therefore, it has been classified as a Variant of Uncertain Significance.

Ambry Genetics
Classification: Uncertain significance for Cardiovascular phenotype. Last evaluated: 2022-07-27. Review status: criteria provided, single submitter. Criteria: Ambry Variant Classification Scheme 2023. Collection method: clinical testing. Allele origin: germline.
Comment: The p.P2237L variant (also known as c.6710C>T), located in coding exon 8 of the ALMS1 gene, results from a C to T substitution at nucleotide position 6710. The proline at codon 2237 is replaced by leucine, an amino acid with similar properties. This amino acid position is well conserved in available vertebrate species. In addition, this alteration is predicted to be tolerated by in silico analysis. Since supporting evidence is limited at this time, the clinical significance of this alteration remains unclear.

Clinical Genomics Laboratory, Stanford Medicine
Classification: Uncertain significance for Alstrom syndrome. Last evaluated: 2021-06-10. Review status: criteria provided, single submitter. Criteria: ACMG Guidelines, 2015. Collection method: clinical testing. Allele origin: germline. Affected: yes. Observed: 1 heterozygote.
Comment: The p.Pro2237Leu (also referred to as p.Pro2235Leu) variant in the ALMS1 gene has not been previously reported in association with disease. This variant has been identified in 4/127,976 European chromosomes by the Genome Aggregation Database. Computational tools predict that the p.Pro2237Leu variant does not impact protein function; however, the accuracy of in silico algorithms is limited. These data were assessed using the ACMG/AMP variant interpretation guidelines. In summary, the significance of the p.Pro2237Leu variant is uncertain. Additional information is needed to resolve the significance of this variant. [ACMG evidence codes used: PM2; BP4]

Stanford Center for Inherited Cardiovascular Disease, Stanford University
Classification: Uncertain significance. Last evaluated: 2018-01-09. Review status: criteria provided, single submitter. Criteria: ACMG Guidelines, 2015. Collection method: provider interpretation. Allele origin: germline.

Natera, Inc.
Classification: Uncertain significance for Alstrom syndrome. Last evaluated: 2020-09-03. Review status: no assertion criteria provided. Collection method: clinical testing. Allele origin: germline. Not counted in ClinVar's aggregate classification.

NM_001378454.1(ALMS1):c.6707C>T (p.Pro2236Leu)

Gene: ALMS1 (ALMS1 centrosome and basal body associated protein; plus strand). Cytogenetic location: 2p13.1.
Variant type: single nucleotide variant.
Coding change: c.6707C>T on transcript NM_001378454.1 (MANE Select); coding-DNA position 6707, C replaced by T.
Protein change: p.Pro2236Leu; replaces proline 2236 with leucine.
Molecular consequence: missense variant.
Genome position (GRCh38, 1-based): chr2:73,453,234, C>T. VCF-style: chr2-73453234-C-T. GRCh37 (hg19) VCF-style: chr2-73680361-C-T.
Other names: p.Pro2237Leu; c.6710C>T, p.Pro2237Leu (NM_015120.4); short protein forms P2237L, P2236L.
Identifiers: ClinVar variation 459880 (VCV000459880.13), dbSNP rs201737248, ClinGen allele CA1714113.
Genomic context (GRCh38, chr2:73,453,234, plus strand): 5'-TTAGCTCAAATAATGTGCTTTTAAATTCTCAGGCTGATGACAGAGTTGTAATAAATAAAC[C>T]AGAATCTGCAGGTTTTAGAGATGTTGGCTCTGAAGAAATCCAGGATGCAGAAAATAGTGC-3'
Protein context (NP_001365383.1, residues 2226-2246): QADDRVVINK[Pro2236Leu]ESAGFRDVGS